The following is an entry in ClinVar:

NM_001308093.3(GATA4):c.1319_1320dup (p.Ile441Ter)

Gene: GATA4 (GATA binding protein 4). Cytogenetic location: 8p23.1.
Variant type: Duplication.
Coding change: c.1319_1320dup on transcript NM_001308093.3 (MANE Select); coding-DNA positions 1319 to 1320, 2 bases duplicated.
Protein change: p.Ile441Ter; replaces isoleucine 441 with a stop codon.
Molecular consequence: nonsense.
Genome position: GRCh38 VCF-style: chr8-11758460-C-CAT. GRCh37 (hg19) VCF-style: chr8-11615969-C-CAT.
Other names: c.698_699dup, p.Ile234Ter (NM_001308094.2, NM_001374273.1); c.572_573dup, p.Ile192Ter (NM_001374274.1); c.1316_1317dup, p.Ile440Ter (NM_002052.5); short protein forms I192*, I234*, I440*, I441*.
Identifiers: ClinVar variation 4698661 (VCV004698661.1).

ClinVar aggregate classification (germline): Uncertain significance (1 of 4 stars; one submission).

Conditions:
Atrioventricular septal defect 4 (AVSD4). Identifiers: MedGen C3280781, MONDO:0013747, OMIM 614430.

Submission:

Labcorp Genetics (formerly Invitae), Labcorp
Classification: Uncertain significance for Atrioventricular septal defect 4. Last evaluated: 2025-08-22. Review status: criteria provided, single submitter. Criteria: Invitae Variant Classification Sherloc (09022015). Collection method: clinical testing. Allele origin: germline.
Comment: This sequence change creates a premature translational stop signal (p.Ile440*) in the GATA4 gene. While this is not anticipated to result in nonsense mediated decay, it is expected to disrupt the last 3 amino acid(s) of the GATA4 protein. This variant is not present in population databases (gnomAD no frequency). This variant has not been reported in the literature in individuals affected with GATA4-related conditions. In summary, the available evidence is currently insufficient to determine the role of this variant in disease. Therefore, it has been classified as a Variant of Uncertain Significance.